The following is an entry in ClinVar:

NM_001605.3(AARS1):c.1555G>T (p.Val519Leu)

Gene: AARS1 (alanyl-tRNA synthetase 1; minus strand). Cytogenetic location: 16q22.1.
Variant type: single nucleotide variant.
Coding change: c.1555G>T on transcript NM_001605.3 (MANE Select); coding-DNA position 1555, G replaced by T.
Protein change: p.Val519Leu; replaces valine 519 with leucine.
Molecular consequence: missense variant.
Genome position (GRCh38, 1-based): chr16:70,262,462, C>A on the plus strand (G>T on the coding strand, the complement: AARS1 is on the minus strand). VCF-style: chr16-70262462-C-A. GRCh37 (hg19) VCF-style: chr16-70296365-C-A.
Other names: short protein forms V519L.
Identifiers: ClinVar variation 2634003 (VCV002634003.1), dbSNP rs1480584384, ClinGen allele CA396560204.

ClinVar aggregate classification (germline): Uncertain significance (1 of 4 stars; one submission).

Conditions:
AARS1-related disorder. Also called: AARS1-related condition.

Allele frequency attached by ClinVar (database versions not stated): gnomAD exomes below 0.00001; TOPMed below 0.00001.
gnomAD v4.1: 4 of 1,614,198 alleles (0.00025%); highest among the groups gnomAD compares: Non-Finnish European, 0.00034%; no homozygotes.

Submission:

PreventionGenetics, part of Exact Sciences
Classification: Uncertain significance for AARS1-related condition. Last evaluated: 2023-10-03. Review status: criteria provided, single submitter. Criteria: ACMG Guidelines, 2015. Collection method: clinical testing. Allele origin: germline.
Comment: The AARS1 c.1555G>T variant is predicted to result in the amino acid substitution p.Val519Leu. To our knowledge, this variant has not been reported in the literature. This variant is reported in 0.00088% of alleles in individuals of European (Non-Finnish) descent in gnomAD. At this time, the clinical significance of this variant is uncertain due to the absence of conclusive functional and genetic evidence.